The following is an entry in ClinVar:

NM_015015.3(KDM4B):c.1321G>A (p.Gly441Arg)

Gene: KDM4B (lysine demethylase 4B; plus strand). Cytogenetic location: 19p13.3.
Variant type: single nucleotide variant.
Coding change: c.1321G>A on transcript NM_015015.3 (MANE Select); coding-DNA position 1321, G replaced by A.
Protein change: p.Gly441Arg; replaces glycine 441 with arginine.
Molecular consequence: missense variant.
Genome position (GRCh38, 1-based): chr19:5,131,081, G>A. VCF-style: chr19-5131081-G-A. GRCh37 (hg19) VCF-style: chr19-5131092-G-A.
Other names: c.1423G>A, p.Gly475Arg (NM_001411148.1); short protein forms G475R, G441R.
Identifiers: ClinVar variation 2888053 (VCV002888053.3), dbSNP rs2512130867, ClinGen allele CA403498876.

ClinVar aggregate classification (germline): Uncertain significance (1 of 4 stars; one submission).

Allele frequency attached by ClinVar (database versions not stated): gnomAD exomes below 0.00001.
gnomAD v4.1: 1 of 1,509,468 alleles (0.000066%); highest among the groups gnomAD compares: East Asian, 0.0023%; no homozygotes.

Submission:

Labcorp Genetics (formerly Invitae), Labcorp
Classification: Uncertain significance. Last evaluated: 2022-07-28. Review status: criteria provided, single submitter. Criteria: Invitae Variant Classification Sherloc (09022015). Collection method: clinical testing. Allele origin: germline.
Comment: This sequence change replaces glycine, which is neutral and non-polar, with arginine, which is basic and polar, at codon 441 of the KDM4B protein (p.Gly441Arg). This variant is not present in population databases (gnomAD no frequency). This variant has not been reported in the literature in individuals affected with KDM4B-related conditions. Algorithms developed to predict the effect of missense changes on protein structure and function output the following: SIFT: "Tolerated"; PolyPhen-2: "Benign"; Align-GVGD: "Class C0". The arginine amino acid residue is found in multiple mammalian species, which suggests that this missense change does not adversely affect protein function. In summary, the available evidence is currently insufficient to determine the role of this variant in disease. Therefore, it has been classified as a Variant of Uncertain Significance.